The following is an entry in ClinVar:

ClinVar aggregate classification (germline): Benign. Review status: criteria provided, multiple submitters, no conflicts (2 of 4 stars). 3 submissions from 3 submitters: Benign (2). 1 of the submissions does not count toward it. Last evaluated 2018-09-19.

Conditions:
LRP1B-related disorder. Also called: LRP1B-related condition.

Allele frequency attached by ClinVar (database versions not stated): gnomAD exomes 0.00074 and 0.00200; ExAC 0.00229; gnomAD 0.00758 and 0.00804; ESP Exome Variant Server 0.00846; TOPMed 0.00846; 1000 Genomes Project 30x 0.00890; 1000 Genomes Project 0.00899.
gnomAD v4.1: 2,260 of 1,611,446 alleles (0.14%); highest among the groups gnomAD compares: African/African-American, 2.7%; 22 homozygotes.

Submissions (3):

Labcorp Genetics (formerly Invitae), Labcorp
Classification: Benign. Last evaluated: 2018-09-19. Review status: criteria provided, single submitter. Criteria: Invitae Variant Classification Sherloc (09022015). Collection method: clinical testing. Allele origin: germline.

Breakthrough Genomics
Classification: Benign. Review status: criteria provided, single submitter. Criteria: ACMG Guidelines, 2015. Collection method: not provided. Allele origin: germline. Inheritance: Unknown mechanism. Affected: yes.

PreventionGenetics, part of Exact Sciences
Classification: Benign for LRP1B-related condition. Last evaluated: 2019-06-04. Review status: no assertion criteria provided. Collection method: clinical testing. Allele origin: germline. Not counted in ClinVar's aggregate classification.
Comment: This variant is classified as benign based on ACMG/AMP sequence variant interpretation guidelines (Richards et al. 2015 PMID: 25741868, with internal and published modifications).

NM_018557.3(LRP1B):c.8014T>C (p.Leu2672=)

Gene: LRP1B (LDL receptor related protein 1B; minus strand). Cytogenetic location: 2q22.1.
Variant type: single nucleotide variant.
Coding change: c.8014T>C on transcript NM_018557.3 (MANE Select); coding-DNA position 8014, T replaced by C.
Protein change: p.Leu2672=; no amino-acid change (leucine 2672 retained).
Molecular consequence: synonymous variant.
Genome position (GRCh38, 1-based): chr2:140,525,856, A>G on the plus strand (T>C on the coding strand, the complement: LRP1B is on the minus strand). VCF-style: chr2-140525856-A-G. GRCh37 (hg19) VCF-style: chr2-141283425-A-G.
Identifiers: ClinVar variation 791871 (VCV000791871.6), dbSNP rs72973993, ClinGen allele CA1894125.
Genomic context (GRCh38, chr2:140,525,856, plus strand): 5'-TCAAAATCTCCAAGGCAAAGCCTGTGTTTTTCTAAATTCTAGTATTACCTGGGCACTTTA[A>G]TTCATCTGAATAGTCTCCACAGTCATTAGACCCGTCGCATATCCAGGTTGGCAGAACACA-3'
Protein context (NP_061027.2, residues 2662-2682): SNDCGDYSDE[Leu2672=]KCPVQNKHKC